The following is an entry in ClinVar:

NM_018192.4(P3H2):c.95_100del (p.Arg32_Glu33del)

Gene: P3H2 (prolyl 3-hydroxylase 2; minus strand). Cytogenetic location: 3q28.
Variant type: Deletion.
Coding change: c.95_100del on transcript NM_018192.4 (MANE Select); coding-DNA positions 95 to 100, 6 bases deleted (GGGAGC; older notation c.95_100delGGGAGC).
Protein change: p.Arg32_Glu33del.
Molecular consequence: inframe deletion. On other transcripts: intron variant (1).
Genome position (GRCh38, 1-based): chr3:190,120,632-190,120,637, GCTCCC deleted on the plus strand (GGGAGC on the coding strand, the reverse complement: P3H2 is on the minus strand); deleting any 6 consecutive bases within chr3:190,120,632-190,120,638 gives the same sequence; the c. name uses the placement nearest the transcript's 3' end. VCF-style (leftmost placement, unchanged base first): chr3-190120631-AGCTCCC-A. GRCh37 (hg19) VCF-style: chr3-189838420-AGCTCCC-A.
Other names: c.-64+1566_-64+1571del (NM_001134418.2).
Identifiers: ClinVar variation 863078 (VCV000863078.7), dbSNP rs780437634, ClinGen allele CA2753436.

ClinVar aggregate classification (germline): Uncertain significance. Review status: criteria provided, multiple submitters, no conflicts (2 of 4 stars). 2 submissions from 2 submitters: Uncertain significance (2). Last evaluated 2024-10-24.

Submissions (2):

Labcorp Genetics (formerly Invitae), Labcorp
Classification: Uncertain significance. Last evaluated: 2024-10-24. Review status: criteria provided, single submitter. Criteria: Invitae Variant Classification Sherloc (09022015). Collection method: clinical testing. Allele origin: germline.
Comment: This variant, c.95_100del, results in the deletion of 2 amino acid(s) of the P3H2 protein (p.Arg32_Glu33del), but otherwise preserves the integrity of the reading frame. This variant is present in population databases (rs780437634, gnomAD 0.003%). This variant has not been reported in the literature in individuals affected with P3H2-related conditions. ClinVar contains an entry for this variant (Variation ID: 863078). Experimental studies and prediction algorithms are not available or were not evaluated, and the functional significance of this variant is currently unknown. In summary, the available evidence is currently insufficient to determine the role of this variant in disease. Therefore, it has been classified as a Variant of Uncertain Significance.

Blueprint Genetics
Classification: Uncertain significance. Last evaluated: 2022-06-13. Review status: criteria provided, single submitter. Criteria: ACMG Guidelines, 2015. Collection method: clinical testing. Allele origin: germline.